The following is an entry in ClinVar:

NM_015557.3(CHD5):c.4897G>C (p.Glu1633Gln)

Gene: CHD5 (chromodomain helicase DNA binding protein 5; minus strand). Cytogenetic location: 1p36.31.
Variant type: single nucleotide variant.
Coding change: c.4897G>C on transcript NM_015557.3 (MANE Select); coding-DNA position 4897, G replaced by C.
Protein change: p.Glu1633Gln; replaces glutamic acid 1633 with glutamine.
Molecular consequence: missense variant.
Genome position (GRCh38, 1-based): chr1:6,121,120, C>G on the plus strand (G>C on the coding strand, the complement: CHD5 is on the minus strand). VCF-style: chr1-6121120-C-G. GRCh37 (hg19) VCF-style: chr1-6181180-C-G.
Other names: short protein forms E1633Q.
Identifiers: ClinVar variation 3642814 (VCV003642814.2).

ClinVar aggregate classification (germline): Uncertain significance (1 of 4 stars; one submission).

Submission:

Labcorp Genetics (formerly Invitae), Labcorp
Classification: Uncertain significance. Last evaluated: 2024-02-22. Review status: criteria provided, single submitter. Criteria: Invitae Variant Classification Sherloc (09022015). Collection method: clinical testing. Allele origin: germline.
Comment: This sequence change replaces glutamic acid, which is acidic and polar, with glutamine, which is neutral and polar, at codon 1633 of the CHD5 protein (p.Glu1633Gln). This variant is not present in population databases (gnomAD no frequency). This variant has not been reported in the literature in individuals affected with CHD5-related conditions. Advanced modeling of protein sequence and biophysical properties (such as structural, functional, and spatial information, amino acid conservation, physicochemical variation, residue mobility, and thermodynamic stability) performed at Invitae indicates that this missense variant is not expected to disrupt CHD5 protein function with a negative predictive value of 80%. In summary, the available evidence is currently insufficient to determine the role of this variant in disease. Therefore, it has been classified as a Variant of Uncertain Significance.